The following is an entry in ClinVar:

ClinVar aggregate classification (germline): Pathogenic (1 of 4 stars; one submission).

Conditions:
Diamond-Blackfan anemia. Also called: Blackfan Diamond syndrome; Aregenerative anemia chronic congenital; Red cell aplasia, pure hereditary; Congenital hypoplastic anemia; Aase syndrome. Identifiers: Orphanet 124, MedGen C1260899, MeSH D029503, MONDO:0015253, HP:0004810.

Submission:

Labcorp Genetics (formerly Invitae), Labcorp
Classification: Pathogenic for Diamond-Blackfan anemia. Last evaluated: 2023-10-05. Review status: criteria provided, single submitter. Criteria: Invitae Variant Classification Sherloc (09022015). Collection method: clinical testing. Allele origin: germline.
Comment: This sequence change creates a premature translational stop signal (p.Gln39Lysfs*11) in the RPL5 gene. It is expected to result in an absent or disrupted protein product. Loss-of-function variants in RPL5 are known to be pathogenic (PMID: 19061985, 19773262). This variant is not present in population databases (gnomAD no frequency). This variant has not been reported in the literature in individuals affected with RPL5-related conditions. For these reasons, this variant has been classified as Pathogenic.

Literature cited by the submitters: PubMed 19061985; PubMed 19773262.

NM_000969.5(RPL5):c.115_121del (p.Gln39fs)

Genes: DIPK1A (divergent protein kinase domain 1A; minus strand), RPL5 (ribosomal protein L5; plus strand). Cytogenetic location: 1p22.1.
Variant type: Deletion.
Coding change: c.115_121del on transcript NM_000969.5 (MANE Select); coding-DNA positions 115 to 121, 7 bases deleted (CAAGATA; older notation c.115_121delCAAGATA).
Protein change: p.Gln39fs; shifts the reading frame from glutamine 39.
Molecular consequence: frameshift variant. On other transcripts: non-coding transcript variant (1), intron variant (1).
Genome position (GRCh38, 1-based): chr1:92,833,586-92,833,592, CAAGATA deleted; deleting any 7 consecutive bases within chr1:92,833,582-92,833,592 gives the same sequence; the c. name uses the placement nearest the transcript's 3' end. VCF-style (leftmost placement, unchanged base first): chr1-92833581-TGATACAA-T. GRCh37 (hg19) VCF-style: chr1-93299138-TGATACAA-T.
Other names: c.475-554_475-548del (NM_001252273.2); short protein forms Q39fs.
Identifiers: ClinVar variation 2766031 (VCV002766031.3), dbSNP rs2524448381, ClinGen allele CA2697552491.